The following is an entry in ClinVar:

ClinVar aggregate classification (germline): Benign. Review status: criteria provided, multiple submitters, no conflicts (2 of 4 stars). 9 submissions from 8 submitters: Benign (8). 1 of the submissions does not count toward it. Last evaluated 2026-06-19.

Conditions:
Usher syndrome type 1 (USH1). Also called: RETINITIS PIGMENTOSA AND CONGENITAL DEAFNESS. Identifiers: Orphanet 231169, Orphanet 886, MedGen C1568247, MONDO:0010168, OMIM 276900.
Autosomal recessive nonsyndromic hearing loss 12. Also called: DEAFNESS, AUTOSOMAL RECESSIVE 12. Identifiers: Orphanet 90636, MedGen C1832394, MONDO:0011067, OMIM 601386.
Usher syndrome type 1D (USH1D). Also called: USHER SYNDROME, TYPE ID. Identifiers: Orphanet 231169, Orphanet 886, MedGen C1832845, MONDO:0010984, OMIM 601067.

Allele frequency attached by ClinVar (database versions not stated): 1000 Genomes Project 0.08287; ExAC 0.04328; gnomAD exomes 0.04871; gnomAD 0.04123 and 0.03956; ESP Exome Variant Server 0.02595; TOPMed 0.05301; 1000 Genomes Project 30x 0.08323.
gnomAD v4.1: 30,974 of 1,613,720 alleles (1.9%); highest among the groups gnomAD compares: East Asian, 20%; 2,099 homozygotes.

Submissions (9):

Women's Health and Genetics/Laboratory Corporation of America, LabCorp
Classification: Benign. Last evaluated: 2026-06-19. Review status: criteria provided, single submitter. Criteria: LabCorp Variant Classification Summary - May 2015. Collection method: clinical testing. Allele origin: germline.

Labcorp Genetics (formerly Invitae), Labcorp
Classification: Benign. Last evaluated: 2026-02-04. Review status: criteria provided, single submitter. Criteria: Invitae Variant Classification Sherloc (09022015). Collection method: clinical testing. Allele origin: germline.

Mayo Clinic Laboratories, Mayo Clinic
Classification: Benign. Last evaluated: 2022-04-17. Review status: criteria provided, single submitter. Criteria: ACMG Guidelines, 2015. Collection method: clinical testing. Allele origin: germline. Observed: 14 variant alleles.

Illumina Laboratory Services, Illumina
Classification: Benign for Usher syndrome type 1D. Last evaluated: 2018-01-12. Review status: criteria provided, single submitter. Criteria: ICSL Variant Classification Criteria 13 December 2019. Collection method: clinical testing. Allele origin: germline.
Comment: This variant was observed in the ICSL laboratory as part of a predisposition screen in an ostensibly healthy population. It had not been previously curated by ICSL or reported in the Human Gene Mutation Database (HGMD: prior to June 1st, 2018), and was therefore a candidate for classification through an automated scoring system. Utilizing variant allele frequency, disease prevalence and penetrance estimates, and inheritance mode, an automated score was calculated to assess if this variant is too frequent to cause the disease. Based on the score and internal cut-off values, a variant classified as benign is not then subjected to further curation. The score for this variant resulted in a classification of benign for this disease.

Illumina Laboratory Services, Illumina
Classification: Benign for Autosomal recessive nonsyndromic hearing loss 12. Last evaluated: 2018-01-12. Review status: criteria provided, single submitter. Criteria: ICSL Variant Classification Criteria 13 December 2019. Collection method: clinical testing. Allele origin: germline.
Comment: the same text as in the submission from Illumina Laboratory Services, Illumina above.

GeneDx
Classification: Benign. Last evaluated: 2013-03-05. Review status: criteria provided, single submitter. Criteria: GeneDx Variant Classification (06012015). Collection method: clinical testing. Allele origin: germline. Affected: yes.
Comment: This variant is considered likely benign or benign based on one or more of the following criteria: it is a conservative change, it occurs at a poorly conserved position in the protein, it is predicted to be benign by multiple in silico algorithms, and/or has population frequency not consistent with disease.

Laboratory for Molecular Medicine, Mass General Brigham Personalized Medicine
Classification: Benign. Last evaluated: 2009-06-12. Review status: criteria provided, single submitter. Criteria: LMM Criteria. Collection method: clinical testing. Allele origin: germline. Observed: 173 variant alleles.

Breakthrough Genomics
Classification: Benign. Review status: criteria provided, single submitter. Criteria: ACMG Guidelines, 2015. Collection method: not provided. Allele origin: germline. Inheritance: Autosomal recessive inheritance. Affected: yes.

Natera, Inc.
Classification: Benign for Usher syndrome type 1. Last evaluated: 2020-09-16. Review status: no assertion criteria provided. Collection method: clinical testing. Allele origin: germline. Not counted in ClinVar's aggregate classification.

NM_022124.6(CDH23):c.4509C>T (p.Gly1503=)

Gene: CDH23 (cadherin related 23; plus strand). Cytogenetic location: 10q22.1.
Variant type: single nucleotide variant.
Coding change: c.4509C>T on transcript NM_022124.6 (MANE Select); coding-DNA position 4509, C replaced by T.
Protein change: p.Gly1503=; no amino-acid change (glycine 1503 retained).
Molecular consequence: synonymous variant.
Genome position (GRCh38, 1-based): chr10:71,740,842, C>T. VCF-style: chr10-71740842-C-T. GRCh37 (hg19) VCF-style: chr10-73500599-C-T.
Other names: p.G1503G:GGC>GGT; p.Gly1503=.
Identifiers: ClinVar variation 45949 (VCV000045949.21), dbSNP rs10999978, ClinGen allele CA137433.